The following is an entry in ClinVar:

NM_001142864.4(PIEZO1):c.6477C>A (p.Tyr2159Ter)

Gene: PIEZO1 (piezo type mechanosensitive ion channel component 1 (Er blood group); minus strand). Cytogenetic location: 16q24.3.
Variant type: single nucleotide variant.
Coding change: c.6477C>A on transcript NM_001142864.4 (MANE Select); coding-DNA position 6477, C replaced by A.
Protein change: p.Tyr2159Ter; replaces tyrosine 2159 with a stop codon.
Molecular consequence: nonsense.
Genome position (GRCh38, 1-based): chr16:88,717,206, G>T on the plus strand (C>A on the coding strand, the complement: PIEZO1 is on the minus strand). VCF-style: chr16-88717206-G-T. GRCh37 (hg19) VCF-style: chr16-88783614-G-T.
Other names: short protein forms Y2159*.
Identifiers: ClinVar variation 4879638 (VCV004879638.1).
Genomic context (GRCh38, chr16:88,717,206, plus strand): 5'-GATGAGGCCACCCATGCCGTACTTGACGATCTTCTTCTTCTTCTGCCCTTTGGGCTGCGG[G>T]TATTTCTGGAGGGGAACGACACAGGTCATACGCTCAGCTCTGCCCTTCCTGCGGGTCACA-3'

ClinVar aggregate classification (germline): Pathogenic (1 of 4 stars; one submission).

Conditions:
Lymphatic malformation 6 (LMPHM6). Also called: GENERALIZED LYMPHATIC DYSPLASIA OF FOTIOU; Lymphedema, hereditary, III; PIEZO1-related generalized lymphatic dysplasia with non-immune hydrops fetalis. Identifiers: Orphanet 568062, MedGen C4225184, MONDO:0014797, OMIM 616843.

Submission:

Victorian Clinical Genetics Services, Murdoch Childrens Research Institute
Classification: Pathogenic for Lymphatic malformation 6. Last evaluated: 2026-06-22. Review status: criteria provided, single submitter. Criteria: ACMG Guidelines, 2015. Collection method: clinical testing. Allele origin: germline. Affected: no.
Comment: This variant is classified as Pathogenic. Evidence in support of pathogenic classification: Variant is predicted to cause nonsense-mediated decay (NMD) and loss of protein (premature termination codon is located at least 54 nucleotides upstream of the final exon-exon junction); An alternative nucleotide change, resulting in the same amino acid change, is present in gnomAD (v4: 1 heterozygote(s), 0 homozygote(s)) - Other NMD-predicted variant(s) comparable to the one identified in this case have very strong previous evidence for pathogenicity (DECIPHER). Additional information: This variant is heterozygous; This gene is associated with both recessive and dominant disease. LMPHM6 has been reported in individuals with biallelic variants, while DHS has only been reported in individuals with heterozygous missense variants or inframe duplication variants with a gain of function mechanism (OMIM); This variant has no previous evidence of pathogenicity; No published evidence of segregation with disease has been identified for this variant; No published functional evidence has been identified for this variant; Loss of function and gain of function are known mechanisms of disease in this gene and are associated with lymphatic malformation 6 (LMPHM6; MIM#616843), and dehydrated hereditary stomatocytosis with or without pseudohyperkalaemia and/or perinatal oedema (DHS; MIM#194380), respectively (OMIM).